The following is an entry in ClinVar:

NM_000158.4(GBE1):c.1635T>C (p.His545=)

Gene: GBE1 (1,4-alpha-glucan branching enzyme 1; minus strand). Cytogenetic location: 3p12.2.
Variant type: single nucleotide variant.
Coding change: c.1635T>C on transcript NM_000158.4 (MANE Select); coding-DNA position 1635, T replaced by C.
Protein change: p.His545=; no amino-acid change (histidine 545 retained).
Molecular consequence: synonymous variant.
Genome position (GRCh38, 1-based): chr3:81,537,079, A>G on the plus strand (T>C on the coding strand, the complement: GBE1 is on the minus strand). VCF-style: chr3-81537079-A-G. GRCh37 (hg19) VCF-style: chr3-81586230-A-G.
Identifiers: ClinVar variation 387447 (VCV000387447.41), dbSNP rs780741533, ClinGen allele CA2499600.

ClinVar aggregate classification (germline): Likely benign. Review status: criteria provided, multiple submitters, no conflicts (2 of 4 stars). 4 submissions from 4 submitters: Likely benign (4). Last evaluated 2025-06-03.

Conditions:
Glycogen storage disease, type IV (GSD4). Also called: Glycogen storage disease due to glycogen branching enzyme deficiency; AMYLOPECTINOSIS; ANDERSEN DISEASE; BRANCHER DEFICIENCY; CIRRHOSIS, FAMILIAL, WITH DEPOSITION OF ABNORMAL GLYCOGEN; GBE1 DEFICIENCY. Identifiers: Orphanet 367, MedGen C0017923, MONDO:0009292, OMIM 232500.
Glycogen storage disease IV, classic hepatic. Also called: GSD IV, CLASSIC HEPATIC. Identifiers: MedGen C1856301.

Allele frequency attached by ClinVar (database versions not stated): gnomAD 0.00001; gnomAD exomes 0.00003 and 0.00006; TOPMed 0.00004; ExAC 0.00010.
gnomAD v4.1: 52 of 1,540,794 alleles (0.0034%); highest among the groups gnomAD compares: Middle Eastern, 0.051%; no homozygotes.

Submissions (4):

Labcorp Genetics (formerly Invitae), Labcorp
Classification: Likely benign for Glycogen storage disease, type IV; Glycogen storage disease IV, classic hepatic. Last evaluated: 2025-06-03. Review status: criteria provided, single submitter. Criteria: Invitae Variant Classification Sherloc (09022015). Collection method: clinical testing. Allele origin: germline.

Blueprint Genetics
Classification: Likely benign. Last evaluated: 2024-04-25. Review status: criteria provided, single submitter. Criteria: ACMG Guidelines, 2015. Collection method: clinical testing. Allele origin: germline.

CeGaT Center for Human Genetics Tuebingen
Classification: Likely benign. Last evaluated: 2022-07-01. Review status: criteria provided, single submitter. Criteria: CeGaT Center For Human Genetics Tuebingen Variant Classification Criteria Version 2. Collection method: clinical testing. Allele origin: germline. Affected: yes. Observed: 1 variant allele.
Comment: GBE1: BP4

GeneDx
Classification: Likely benign. Last evaluated: 2016-07-19. Review status: criteria provided, single submitter. Criteria: GeneDx Variant Classification (06012015). Collection method: clinical testing. Allele origin: germline. Affected: yes.
Comment: This variant is considered likely benign or benign based on one or more of the following criteria: it is a conservative change, it occurs at a poorly conserved position in the protein, it is predicted to be benign by multiple in silico algorithms, and/or has population frequency not consistent with disease.